The following is an entry in ClinVar:

ClinVar aggregate classification (germline): Pathogenic/Likely pathogenic. Review status: criteria provided, multiple submitters, no conflicts (2 of 4 stars). 3 submissions from 3 submitters: Pathogenic (2); Likely pathogenic (1). Last evaluated 2025-10-19.

Conditions:
Joubert syndrome. Also called: JOUBERT-BOLTSHAUSER SYNDROME; Familial aplasia of the vermis. Identifiers: Orphanet 475, MedGen C5979921, MONDO:0018772.
Joubert syndrome 3 (JBTS3). Also called: AHI1-related Ciliopathy. Identifiers: Orphanet 220493, MedGen C1837713, MONDO:0012078, OMIM 608629.

Allele frequency attached by ClinVar (database versions not stated): gnomAD exomes 0.00004; ExAC 0.00002.
gnomAD v4.1: 58 of 1,492,052 alleles (0.0039%); highest among the groups gnomAD compares: Non-Finnish European, 0.005%; no homozygotes.

Submissions (3):

Labcorp Genetics (formerly Invitae), Labcorp
Classification: Pathogenic for Joubert syndrome. Last evaluated: 2025-10-19. Review status: criteria provided, single submitter. Criteria: Invitae Variant Classification Sherloc (09022015). Collection method: clinical testing. Allele origin: germline.
Comment: This sequence change creates a premature translational stop signal (p.Ser389*) in the AHI1 gene. It is expected to result in an absent or disrupted protein product. Loss-of-function variants in AHI1 are known to be pathogenic (PMID: 15322546, 16453322, 28442542, 29186038). This variant is present in population databases (rs761388040, gnomAD 0.002%). This premature translational stop signal has been observed in individual(s) with AHI1-related conditions (internal data). ClinVar contains an entry for this variant (Variation ID: 1073454). For these reasons, this variant has been classified as Pathogenic.

Myriad Genetics, Inc.
Classification: Pathogenic for Joubert syndrome 3. Last evaluated: 2024-06-11. Review status: criteria provided, single submitter. Criteria: Myriad Autosomal Dominant, Autosomal Recessive and X-Linked Classification Criteria (2023). Collection method: clinical testing. Allele origin: unknown.
Comment: NM_001134831.1(AHI1):c.1166C>G(S389*) is expected to be pathogenic in the context of Joubert syndrome, AHI1-related. This variant is predicted to lead to an abnormal or absent protein product due to the creation of a premature termination codon in AHI1, a gene where loss-of-function variants are known to be pathogenic. Please note: this variant was assessed in the context of healthy population screening.

Fulgent Genetics
Classification: Likely pathogenic for Joubert syndrome 3. Last evaluated: 2024-03-06. Review status: criteria provided, single submitter. Criteria: ACMG Guidelines, 2015. Collection method: clinical testing. Allele origin: germline.

Literature cited by the submitters: PubMed 15322546 (cited by Labcorp Genetics (formerly Invitae), Labcorp); PubMed 16453322 (cited by Labcorp Genetics (formerly Invitae), Labcorp); PubMed 28442542 (cited by Labcorp Genetics (formerly Invitae), Labcorp); PubMed 29186038 (cited by Labcorp Genetics (formerly Invitae), Labcorp).

NM_001134831.2(AHI1):c.1166C>G (p.Ser389Ter)

Gene: AHI1 (Abelson helper integration site 1; minus strand). Cytogenetic location: 6q23.3.
Variant type: single nucleotide variant.
Coding change: c.1166C>G on transcript NM_001134831.2 (MANE Select); coding-DNA position 1166, C replaced by G.
Protein change: p.Ser389Ter; replaces serine 389 with a stop codon.
Molecular consequence: nonsense.
Genome position (GRCh38, 1-based): chr6:135,455,912, G>C on the plus strand (C>G on the coding strand, the complement: AHI1 is on the minus strand). VCF-style: chr6-135455912-G-C. GRCh37 (hg19) VCF-style: chr6-135777050-G-C.
Other names: c.1166C>G (NM_017651.4); c.1166C>G, p.Ser389Ter (NM_001134830.2, NM_001134832.2, NM_001350503.2 and 2 more transcripts); short protein forms S389*.
Identifiers: ClinVar variation 1073454 (VCV001073454.9), dbSNP rs761388040, ClinGen allele CA4012642.